The following is an entry in ClinVar:

NM_001267550.2(TTN):c.62029A>G (p.Ile20677Val)

Genes: TTN (titin; minus strand), TTN-AS1 (TTN antisense RNA 1; plus strand). Cytogenetic location: 2q31.2.
Variant type: single nucleotide variant.
Coding change: c.62029A>G on transcript NM_001267550.2 (MANE Select); coding-DNA position 62029, A replaced by G.
Protein change: p.Ile20677Val; replaces isoleucine 20677 with valine.
Molecular consequence: missense variant.
Genome position (GRCh38, 1-based): chr2:178,589,696, T>C on the plus strand (A>G on the coding strand, the complement: TTN is on the minus strand). VCF-style: chr2-178589696-T-C. GRCh37 (hg19) VCF-style: chr2-179454423-T-C.
Other names: c.57106A>G, p.Ile19036Val (NM_001256850.1); c.34834A>G, p.Ile11612Val (NM_003319.4); c.54325A>G, p.Ile18109Val (NM_133378.4); c.35209A>G, p.Ile11737Val (NM_133432.3); c.35410A>G, p.Ile11804Val (NM_133437.4); short protein forms I11612V, I11737V, I11804V, I18109V, I19036V, I20677V.
Identifiers: ClinVar variation 2437801 (VCV002437801.4), dbSNP rs2469405024, ClinGen allele CA349466430.

ClinVar aggregate classification (germline): Conflicting classifications of pathogenicity. Review status: criteria provided, conflicting classifications (1 of 4 stars). 3 submissions from 3 submitters: Uncertain significance (2); Likely benign (1). Last evaluated 2024-05-22.

Conditions:
Cardiomyopathy (CMYO). Also called: Cardiomyopathies. Identifiers: Orphanet 167848, MedGen C0878544, MONDO:0004994, HP:0001638. Inheritance: Various modes of inheritance.

Submissions (3):

Women's Health and Genetics/Laboratory Corporation of America, LabCorp
Classification: Uncertain significance. Last evaluated: 2024-05-22. Review status: criteria provided, single submitter. Criteria: LabCorp Variant Classification Summary - May 2015. Collection method: clinical testing. Allele origin: germline.
Comment: Variant summary: TTN c.54325A>G (p.Ile18109Val) results in a conservative amino acid change located in the A-band of the encoded protein sequence. Three of four in-silico tools predict a benign effect of the variant on protein function. The variant was absent in 248188 control chromosomes. The available data on variant occurrences in the general population are insufficient to allow any conclusion about variant significance. To our knowledge, no occurrence of c.54325A>G in individuals affected with Limb-Girdle Muscular Dystrophy, Type 2J and no experimental evidence demonstrating its impact on protein function have been reported. ClinVar contains an entry for this variant (Variation ID: 2437801). Based on the evidence outlined above, the variant was classified as uncertain significance.

CHEO Genetics Diagnostic Laboratory, Children's Hospital of Eastern Ontario
Classification: Likely benign for Cardiomyopathy. Last evaluated: 2023-05-16. Review status: criteria provided, single submitter. Criteria: ACMG Guidelines, 2015. Collection method: clinical testing. Allele origin: germline.

Revvity Omics, Revvity
Classification: Uncertain significance. Last evaluated: 2019-05-03. Review status: criteria provided, single submitter. Criteria: ACMG Guidelines, 2015. Collection method: clinical testing. Allele origin: germline.